The following is an entry in ClinVar:

NM_001044385.3(TMEM237):c.915_916del (p.Leu306fs)

Gene: TMEM237 (transmembrane protein 237; minus strand). Cytogenetic location: 2q33.1.
Variant type: Deletion.
Coding change: c.915_916del on transcript NM_001044385.3 (MANE Select); coding-DNA positions 915 to 916, 2 bases deleted (CC; older notation c.915_916delCC).
Protein change: p.Leu306fs; shifts the reading frame from leucine 306.
Molecular consequence: frameshift variant.
Genome position (GRCh38, 1-based): chr2:201,628,103-201,628,104, GG deleted on the plus strand (CC on the coding strand, the reverse complement: TMEM237 is on the minus strand); deleting any 2 consecutive bases within chr2:201,628,103-201,628,105 gives the same sequence; the c. name uses the placement nearest the transcript's 3' end. VCF-style (leftmost placement, unchanged base first): chr2-201628102-AGG-A. GRCh37 (hg19) VCF-style: chr2-202492825-AGG-A.
Other names: c.915_916delCC (NM_001044385.3); c.891_892del, p.Leu298fs (NM_152388.4); short protein forms L298fs, L306fs.
Identifiers: ClinVar variation 4887422 (VCV004887422.1).
Genomic context (GRCh38, chr2:201,628,102, plus strand): 5'-ATTACACAGTTATCATGTTAAACTGCTTACTCACAGAAAGATGCTAAAGCTGTAGGATCC[AGG>A]GCCAAAAAATTTCGGATTGCTACTGATATTTTAGCAAAGTCAATCCTAGAAAATATAAAA-3'

ClinVar aggregate classification (germline): Pathogenic (1 of 4 stars; one submission).

Conditions:
Joubert syndrome and related disorders. Identifiers: Orphanet 140874, MedGen C5679612, MONDO:0015369.

Submission:

Women's Health and Genetics/Laboratory Corporation of America, LabCorp
Classification: Pathogenic for Joubert syndrome and related disorders. Last evaluated: 2026-06-09. Review status: criteria provided, single submitter. Criteria: LabCorp Variant Classification Summary - May 2015. Collection method: clinical testing. Allele origin: germline.
Comment: Variant summary: TMEM237 c.915_916delCC (p.Leu306GlyfsX25) results in a premature termination codon, predicted to cause a truncation of the encoded protein or absence of the protein due to nonsense mediated decay, which are commonly known mechanisms for disease. The variant was absent in 241020 control chromosomes. To our knowledge, no occurrence of c.915_916delCC in individuals affected with TMEM237-related conditions and no experimental evidence demonstrating its impact on protein function have been reported. No submitters have cited clinical-significance assessments for this variant to ClinVar. Based on the evidence outlined above, the variant was classified as pathogenic.